The following is an entry in ClinVar:

ClinVar aggregate classification (germline): Uncertain significance. Review status: criteria provided, multiple submitters, no conflicts (2 of 4 stars). 2 submissions from 2 submitters: Uncertain significance (2). Last evaluated 2024-03-07.

Conditions:
Bardet-Biedl syndrome (BBS). Identifiers: Orphanet 110, MedGen C0752166, MONDO:0015229.
Bardet-Biedl syndrome 12 (BBS12). Identifiers: Orphanet 110, MedGen C1859570, MONDO:0014440, OMIM 615989.

Allele frequency attached by ClinVar (database versions not stated): gnomAD exomes below 0.00001.
gnomAD v4.1: 2 of 1,614,164 alleles (0.00012%); highest among the groups gnomAD compares: Non-Finnish European, 0.00017%; no homozygotes.

Submissions (2):

Fulgent Genetics
Classification: Uncertain significance for Bardet-Biedl syndrome 12. Last evaluated: 2024-03-07. Review status: criteria provided, single submitter. Criteria: ACMG Guidelines, 2015. Collection method: clinical testing. Allele origin: germline.

Labcorp Genetics (formerly Invitae), Labcorp
Classification: Uncertain significance for Bardet-Biedl syndrome. Last evaluated: 2022-04-28. Review status: criteria provided, single submitter. Criteria: Invitae Variant Classification Sherloc (09022015). Collection method: clinical testing. Allele origin: germline.
Comment: In summary, the available evidence is currently insufficient to determine the role of this variant in disease. Therefore, it has been classified as a Variant of Uncertain Significance. Algorithms developed to predict the effect of missense changes on protein structure and function are either unavailable or do not agree on the potential impact of this missense change (SIFT: "Tolerated"; PolyPhen-2: "Possibly Damaging"; Align-GVGD: "Class C0"). This variant has not been reported in the literature in individuals affected with BBS12-related conditions. This variant is present in population databases (no rsID available, gnomAD 0.0009%). This sequence change replaces glutamic acid, which is acidic and polar, with lysine, which is basic and polar, at codon 348 of the BBS12 protein (p.Glu348Lys).

NM_152618.3(BBS12):c.1042G>A (p.Glu348Lys)

Gene: BBS12 (Bardet-Biedl syndrome 12; plus strand). Cytogenetic location: 4q27.
Variant type: single nucleotide variant.
Coding change: c.1042G>A on transcript NM_152618.3 (MANE Select); coding-DNA position 1042, G replaced by A.
Protein change: p.Glu348Lys; replaces glutamic acid 348 with lysine.
Molecular consequence: missense variant.
Genome position (GRCh38, 1-based): chr4:122,742,934, G>A. VCF-style: chr4-122742934-G-A. GRCh37 (hg19) VCF-style: chr4-123664089-G-A.
Other names: c.1042G>A, p.Glu348Lys (NM_001178007.2); short protein forms E348K.
Identifiers: ClinVar variation 1901801 (VCV001901801.5), dbSNP rs1560707540, ClinGen allele CA358224268.
Genomic context (GRCh38, chr4:122,742,934, plus strand): 5'-TCTTGTGTTTGTCCAGGATATATCACTGTTGTGTCAGTATCTAATAATCCTGTGATCAAG[G>A]AATTGCAGAATCAGCCTGTGCGAATAGTTCTCATTGAGGGTGACCTCACAGAGAATTACC-3'
Protein context (NP_689831.2, residues 338-358): VSVSNNPVIK[Glu348Lys]LQNQPVRIVL